The following is an entry in ClinVar:

ClinVar aggregate classification (germline): Uncertain significance (1 of 4 stars; one submission).

Conditions:
Joubert syndrome 14 (JBTS14). Identifiers: MedGen C3280766, MONDO:0013745, OMIM 614424.

Allele frequency attached by ClinVar (database versions not stated): gnomAD exomes 0.00001; gnomAD 0.00003; ExAC 0.00008; 1000 Genomes Project 0.00060; 1000 Genomes Project 30x 0.00078.
gnomAD v4.1: 11 of 1,591,616 alleles (0.00069%); highest among the groups gnomAD compares: Admixed American, 0.019%; 1 homozygote.

Submission:

Labcorp Genetics (formerly Invitae), Labcorp
Classification: Uncertain significance for Joubert syndrome 14. Last evaluated: 2022-07-16. Review status: criteria provided, single submitter. Criteria: Invitae Variant Classification Sherloc (09022015). Collection method: clinical testing. Allele origin: germline.
Comment: This sequence change replaces glycine, which is neutral and non-polar, with serine, which is neutral and polar, at codon 381 of the TMEM237 protein (p.Gly381Ser). This variant is present in population databases (rs200863054, gnomAD 0.01%), including at least one homozygous and/or hemizygous individual. This variant has not been reported in the literature in individuals affected with TMEM237-related conditions. Algorithms developed to predict the effect of missense changes on protein structure and function output the following: SIFT: "Tolerated"; PolyPhen-2: "Benign"; Align-GVGD: "Class C0". The serine amino acid residue is found in multiple mammalian species, which suggests that this missense change does not adversely affect protein function. In summary, the available evidence is currently insufficient to determine the role of this variant in disease. Therefore, it has been classified as a Variant of Uncertain Significance.

NM_001044385.3(TMEM237):c.1141G>A (p.Gly381Ser)

Gene: TMEM237 (transmembrane protein 237; minus strand). Cytogenetic location: 2q33.1.
Variant type: single nucleotide variant.
Coding change: c.1141G>A on transcript NM_001044385.3 (MANE Select); coding-DNA position 1141, G replaced by A.
Protein change: p.Gly381Ser; replaces glycine 381 with serine.
Molecular consequence: missense variant.
Genome position (GRCh38, 1-based): chr2:201,626,044, C>T on the plus strand (G>A on the coding strand, the complement: TMEM237 is on the minus strand). VCF-style: chr2-201626044-C-T. GRCh37 (hg19) VCF-style: chr2-202490767-C-T.
Other names: c.1117G>A, p.Gly373Ser (NM_152388.4); short protein forms G381S, G373S.
Identifiers: ClinVar variation 2146565 (VCV002146565.1), dbSNP rs200863054, ClinGen allele CA2056295.